The following is an entry in ClinVar:

NM_000038.6(APC):c.2308del (p.Ser770fs)

Gene: APC (APC regulator of Wnt signaling pathway; plus strand). Cytogenetic location: 5q22.2.
Variant type: Deletion.
Coding change: c.2308del on transcript NM_000038.6 (MANE Select); coding-DNA position 2308, one base deleted (T; older notation c.2308delT).
Protein change: p.Ser770fs; shifts the reading frame from serine 770.
Molecular consequence: frameshift variant.
Genome position (GRCh38, 1-based): chr5:112,837,902, T deleted. VCF-style (leftmost placement, unchanged base first): chr5-112837901-AT-A. GRCh37 (hg19) VCF-style: chr5-112173598-AT-A.
Other names: c.2308del, p.Ser770fs (NM_001127510.3, NM_001354895.2); c.2254del, p.Ser752fs (NM_001127511.3); c.2362del, p.Ser788fs (NM_001354896.2); c.2338del, p.Ser780fs (NM_001354897.2); c.2233del, p.Ser745fs (NM_001354898.2); c.2224del, p.Ser742fs (NM_001354899.2); c.2185del, p.Ser729fs (NM_001354900.2); c.2131del, p.Ser711fs (NM_001354901.2); and 5 more; short protein forms S487fs, S610fs, S711fs, S780fs, S644fs, S669fs, S679fs, S742fs.
Identifiers: ClinVar variation 1458216 (VCV001458216.8), dbSNP rs2149866029, ClinGen allele CA658760703.

ClinVar aggregate classification (germline): Pathogenic (1 of 4 stars; one submission).

Conditions:
Familial adenomatous polyposis 1 (FAP1). Also called: POLYPOSIS, ADENOMATOUS INTESTINAL; FAMILIAL ADENOMATOUS POLYPOSIS 1, ATTENUATED. Identifiers: MedGen C2713442, MONDO:0021056, OMIM 175100. Disease mechanism: loss of function.

Submission:

Labcorp Genetics (formerly Invitae), Labcorp
Classification: Pathogenic for Familial adenomatous polyposis 1. Last evaluated: 2021-06-16. Review status: criteria provided, single submitter. Criteria: Invitae Variant Classification Sherloc (09022015). Collection method: clinical testing. Allele origin: germline.
Comment: This variant is expected to disrupt the EB1 and HDLG binding sites, which mediate interactions with the cytoskeleton (PMID: 15311282, 17293347). While functional studies have not been performed to directly test the effect on APC protein function, this suggests that disruption of the C-terminal portion of the protein is functionally important. This variant has been observed in individual(s) with clinical features of familial adenomatous polyposis (PMID: 20685668). This variant is not present in population databases (ExAC no frequency). This sequence change creates a premature translational stop signal (p.Ser770Glnfs*7) in the APC gene. While this is not anticipated to result in nonsense mediated decay, it is expected to disrupt the last 2074 amino acid(s) of the APC protein. For these reasons, this variant has been classified as Pathogenic. A different truncation (p.Tyr2645Lysfs*14) that lies downstream of this variant has been determined to be pathogenic (PMID: 9824584, 1316610, 27081525, 8381579, 22135120, Invitae). This suggests that deletion of this region of the APC protein is causative of disease.

Literature cited by the submitters: PubMed 15311282; PubMed 17293347; PubMed 20685668; PubMed 9824584; PubMed 1316610; PubMed 27081525; PubMed 8381579; PubMed 22135120.